The following is an entry in ClinVar:

ClinVar aggregate classification (germline): Uncertain significance. Review status: criteria provided, multiple submitters, no conflicts (2 of 4 stars). 2 submissions from 2 submitters: Uncertain significance (2). Last evaluated 2025-02-22.

Conditions:
Monocytopenia with susceptibility to infections. Also called: MONOCYTOPENIA AND MYCOBACTERIAL INFECTION SYNDROME; MONOCYTOPENIA WITH SUSCEPTIBILITY TO MYCOBACTERIAL, FUNGAL, AND PAPILLOMAVIRUS INFECTIONS AND MYELODYSPLASIA; COMBINED IMMUNODEFICIENCY WITH SUSCEPTIBILITY TO MYCOBACTERIAL, VIRAL, AND FUNGAL INFECTIONS; Dendritic cell, monocyte, B lymphocyte, and natural killer lymphocyte deficiency; IMMUNODEFICIENCY 21; GATA2 DEFICIENCY. Identifiers: Orphanet 228423, MedGen C3280030, MONDO:0013607, OMIM 614172.
Deafness-lymphedema-leukemia syndrome. Also called: Lymphedema, primary, with myelodysplasia; Emberger syndrome. Identifiers: Orphanet 3226, MedGen C3279664, MONDO:0013540, OMIM 614038.
Inborn genetic diseases. Identifiers: MedGen C0950123, MeSH D030342.

Submissions (2):

Ambry Genetics
Classification: Uncertain significance for Inborn genetic diseases. Last evaluated: 2025-02-22. Review status: criteria provided, single submitter. Criteria: Ambry Variant Classification Scheme 2023. Collection method: clinical testing. Allele origin: germline.
Comment: The p.T457K variant (also known as c.1370C>A), located in coding exon 5 of the GATA2 gene, results from a C to A substitution at nucleotide position 1370. The threonine at codon 457 is replaced by lysine, an amino acid with similar properties. This amino acid position is conserved. In addition, this alteration is predicted to be deleterious by in silico analysis. Based on the available evidence, the clinical significance of this variant remains unclear.

Labcorp Genetics (formerly Invitae), Labcorp
Classification: Uncertain significance for Monocytopenia with susceptibility to infections; Deafness-lymphedema-leukemia syndrome. Last evaluated: 2023-03-18. Review status: criteria provided, single submitter. Criteria: Invitae Variant Classification Sherloc (09022015). Collection method: clinical testing. Allele origin: germline.
Comment: This sequence change replaces threonine, which is neutral and polar, with lysine, which is basic and polar, at codon 457 of the GATA2 protein (p.Thr457Lys). This variant is not present in population databases (gnomAD no frequency). This variant has not been reported in the literature in individuals affected with GATA2-related conditions. Advanced modeling of protein sequence and biophysical properties (such as structural, functional, and spatial information, amino acid conservation, physicochemical variation, residue mobility, and thermodynamic stability) performed at Invitae indicates that this missense variant is expected to disrupt GATA2 protein function. In summary, the available evidence is currently insufficient to determine the role of this variant in disease. Therefore, it has been classified as a Variant of Uncertain Significance.

NM_032638.5(GATA2):c.1370C>A (p.Thr457Lys)

Gene: GATA2 (GATA binding protein 2; minus strand). Cytogenetic location: 3q21.3.
Variant type: single nucleotide variant.
Coding change: c.1370C>A on transcript NM_032638.5 (MANE Select); coding-DNA position 1370, C replaced by A.
Protein change: p.Thr457Lys; replaces threonine 457 with lysine.
Molecular consequence: missense variant.
Genome position (GRCh38, 1-based): chr3:128,481,092, G>T on the plus strand (C>A on the coding strand, the complement: GATA2 is on the minus strand). VCF-style: chr3-128481092-G-T. GRCh37 (hg19) VCF-style: chr3-128199935-G-T.
Other names: c.1370C>A, p.Thr457Lys (NM_001145661.2); c.1328C>A, p.Thr443Lys (NM_001145662.1); short protein forms T457K, T443K.
Identifiers: ClinVar variation 2936799 (VCV002936799.4), dbSNP rs139415862, ClinGen allele CA354412610.
Genomic context (GRCh38, chr3:128,481,092, plus strand): 5'-GTCACCATGCTGGACGGGTGGGGGTGGCCGAAGGAGAGGCTGGAGGAGGGGTGGATGGGC[G>T]TCGGAGTGGGCAGGATGTGTCCGGAGTGGCTGAAGGGCGGGAGGTGGCCCACAGGTGCCA-3'
Protein context (NP_116027.2, residues 447-467): SHSGHILPTP[Thr457Lys]PIHPSSSLSF